The following is an entry in ClinVar:

NM_001005373.4(LRSAM1):c.1750G>A (p.Glu584Lys)

Gene: LRSAM1 (leucine rich repeat and sterile alpha motif containing 1; plus strand). Cytogenetic location: 9q33.3.
Variant type: single nucleotide variant.
Coding change: c.1750G>A on transcript NM_001005373.4 (MANE Select); coding-DNA position 1750, G replaced by A.
Protein change: p.Glu584Lys; replaces glutamic acid 584 with lysine.
Molecular consequence: missense variant. On other transcripts: non-coding transcript variant (2).
Genome position (GRCh38, 1-based): chr9:127,496,015, G>A. VCF-style: chr9-127496015-G-A. GRCh37 (hg19) VCF-style: chr9-130258294-G-A.
Other names: c.1750G>A, p.Glu584Lys (NM_001005374.4, NM_001384142.1, NM_138361.5); c.1669G>A, p.Glu557Lys (NM_001190723.3); c.1651G>A, p.Glu551Lys (NM_001384143.1); c.961G>A, p.Glu321Lys (NM_001384144.1); short protein forms E321K, E557K, E584K, E551K.
Identifiers: ClinVar variation 1779389 (VCV001779389.2), dbSNP rs2539445926, ClinGen allele CA374935728.

ClinVar aggregate classification (germline): Uncertain significance (1 of 4 stars; one submission).

Conditions:
Inborn genetic diseases. Identifiers: MedGen C0950123, MeSH D030342.

gnomAD v4.1: 1 of 1,612,808 alleles (0.000062%); highest among the groups gnomAD compares: Non-Finnish European, 0.000085%; no homozygotes.

Submission:

Ambry Genetics
Classification: Uncertain significance for Inborn genetic diseases. Last evaluated: 2020-12-31. Review status: criteria provided, single submitter. Criteria: Ambry Variant Classification Scheme 2023. Collection method: clinical testing. Allele origin: germline.
Comment: The p.E584K variant (also known as c.1750G>A), located in coding exon 21 of the LRSAM1 gene, results from a G to A substitution at nucleotide position 1750. The glutamic acid at codon 584 is replaced by lysine, an amino acid with similar properties. This amino acid position is well conserved in available vertebrate species. In addition, this alteration is predicted to be tolerated by in silico analysis. Since supporting evidence is limited at this time, the clinical significance of this alteration remains unclear.